The following is an entry in ClinVar:

NM_000038.6(APC):c.5374A>C (p.Asn1792His)

Gene: APC (APC regulator of WNT signaling pathway; plus strand). Cytogenetic location: 5q22.2.
Variant type: single nucleotide variant.
Coding change: c.5374A>C on transcript NM_000038.6 (MANE Select); coding-DNA position 5374, A replaced by C.
Protein change: p.Asn1792His; replaces asparagine 1792 with histidine.
Molecular consequence: missense variant.
Genome position (GRCh38, 1-based): chr5:112,840,968, A>C. VCF-style: chr5-112840968-A-C. GRCh37 (hg19) VCF-style: chr5-112176665-A-C.
Other names: c.5374A>C, p.Asn1792His (NM_001127510.3, NM_001354895.2); c.5320A>C, p.Asn1774His (NM_001127511.3); c.5428A>C, p.Asn1810His (NM_001354896.2); c.5404A>C, p.Asn1802His (NM_001354897.2); c.5299A>C, p.Asn1767His (NM_001354898.2); c.5290A>C, p.Asn1764His (NM_001354899.2); c.5251A>C, p.Asn1751His (NM_001354900.2); c.5197A>C, p.Asn1733His (NM_001354901.2); and 5 more; short protein forms N1774H, N1792H, N1632H, N1751H, N1802H, N1701H, N1733H, N1767H.
Identifiers: ClinVar variation 83243 (VCV000083243.2), dbSNP rs74853403, ClinGen allele CA010346.

ClinVar aggregate classification (germline): other (0 of 4 stars; one submission).

Conditions:
Familial colorectal cancer. Identifiers: MedGen CN280943, MONDO:0023113. Disease mechanism: loss of function.

Submission:

Systems Biology Platform Zhejiang California International NanoSystems Institute
Classification: other for Familial colorectal cancer. Review status: no assertion criteria provided. Collection method: not provided. Allele origin: unknown.
ClinVar note: Converted during submission from cancer to other.